The following is an entry in ClinVar:

ClinVar aggregate classification (germline): Conflicting classifications of pathogenicity. Review status: criteria provided, conflicting classifications (1 of 4 stars). 2 submissions from 2 submitters: Uncertain significance (1); Benign (1). Last evaluated 2025-07-07.

Conditions:
Kennedy disease (SMAX1). Also called: SPINAL AND BULBAR MUSCULAR ATROPHY, X-LINKED 1; KENNEDY SPINAL AND BULBAR MUSCULAR ATROPHY; Spinal and Bulbar Muscular Atrophy. Identifiers: Orphanet 481, MedGen C1839259, MONDO:0010735, OMIM 313200.
Androgen resistance syndrome (AIS). Also called: DHTR DEFICIENCY; DIHYDROTESTOSTERONE RECEPTOR DEFICIENCY; ANDROGEN RECEPTOR DEFICIENCY; TESTICULAR FEMINIZATION SYNDROME; Androgen insensitivity syndrome; Androgen insensitivity. Identifiers: Orphanet 754, Orphanet 99429, MedGen C0039585, MONDO:0019154, OMIM 300068. Disease mechanism: loss of function.

Allele frequency attached by ClinVar (database versions not stated): gnomAD exomes 0.00002; TOPMed 0.00004; ExAC 0.00012.
gnomAD v4.1: 9 of 1,197,444 alleles (0.00075%); highest among the groups gnomAD compares: East Asian, 0.027%; no homozygotes.

Submissions (2):

Women's Health and Genetics/Laboratory Corporation of America, LabCorp
Classification: Uncertain significance. Last evaluated: 2025-07-07. Review status: criteria provided, single submitter. Criteria: LabCorp Variant Classification Summary - May 2015. Collection method: clinical testing. Allele origin: germline.
Comment: Variant summary: AR c.270G>T (p.Gln90His) results in a non-conservative amino acid change in the encoded protein sequence. Algorithms developed to predict the effect of missense changes on protein structure and function are either unavailable or do not agree on the potential impact of this missense change. The variant allele was found at a frequency of 5.2e-05 in 155229 control chromosomes. The available data on variant occurrences in the general population are insufficient to allow any conclusion about variant significance. c.270G>T has been observed in at least one individual affected with Androgen Resistance Syndrome (Yuan_2024). These report(s) do not provide unequivocal conclusions about association of the variant with Androgen Resistance Syndrome. To our knowledge, no experimental evidence demonstrating an impact on protein function has been reported.The following publication have been ascertained in the context of this evaluation (PMID: 38938059). ClinVar contains an entry for this variant (Variation ID: 2950489). Based on the evidence outlined above, the variant was classified as uncertain significance.

Labcorp Genetics (formerly Invitae), Labcorp
Classification: Benign for Kennedy disease; Androgen resistance syndrome. Last evaluated: 2024-02-18. Review status: criteria provided, single submitter. Criteria: Invitae Variant Classification Sherloc (09022015). Collection method: clinical testing. Allele origin: germline.

Literature cited by the submitters: PubMed 38938059 (cited by Women's Health and Genetics/Laboratory Corporation of America, LabCorp).

NM_000044.6(AR):c.270G>T (p.Gln90His)

Genes: AR (androgen receptor; plus strand), LOC109504725 (androgen receptor repeat instability region; plus strand). Cytogenetic location: Xq12.
Variant type: single nucleotide variant.
Coding change: c.270G>T on transcript NM_000044.6 (MANE Select); coding-DNA position 270, G replaced by T.
Protein change: p.Gln90His; replaces glutamine 90 with histidine.
Molecular consequence: missense variant. On other transcripts: 5 prime UTR variant (1).
Genome position (GRCh38, 1-based): chrX:67,545,416, G>T. VCF-style: chrX-67545416-G-T. GRCh37 (hg19) VCF-style: chrX-66765258-G-T.
Other names: c.-1514G>T (NM_001011645.3); c.270G>T, p.Gln90His (NM_001348061.1, NM_001348063.1, NM_001348064.1 and 1 more transcripts); short protein forms Q90H.
Identifiers: ClinVar variation 2950489 (VCV002950489.5), dbSNP rs759401811, ClinGen allele CA10436261.